The following is an entry in ClinVar:

ClinVar aggregate classification (germline): Conflicting classifications of pathogenicity. Review status: criteria provided, conflicting classifications (1 of 4 stars). 7 submissions from 7 submitters: Uncertain significance (2); Benign (1); Likely benign (2). 2 of the submissions do not count toward it. Last evaluated 2026-03-13.

Conditions:
GARS1-related disorder. Also called: GARS1-related condition.
Charcot-Marie-Tooth disease type 2. Also called: Charcot-Marie-Tooth type 2. Identifiers: Orphanet 64746, MedGen C0270914, MONDO:0018993.
Charcot-Marie-Tooth disease. Also called: Charcot-Marie-Tooth Hereditary Neuropathy; Charcot-Marie-Tooth Neuropathy. Identifiers: Orphanet 166, MedGen C0007959, MONDO:0015626.
Charcot-Marie-Tooth disease type 2D (CMT2D). Also called: GARS1 Adolescent- or Early Adult-Onset Hereditary Motor/Sensory Neuropathy (GARS1-HMSN); Charcot-Marie-Tooth Neuropathy Type 2D; CHARCOT-MARIE-TOOTH DISEASE, AXONAL, TYPE 2D; CHARCOT-MARIE-TOOTH DISEASE, NEURONAL, TYPE 2D. Identifiers: Orphanet 99938, MedGen C1832274, MONDO:0011091, OMIM 601472.

Allele frequency attached by ClinVar (database versions not stated): gnomAD 0.00009 and 0.00011; TOPMed 0.00011; gnomAD exomes 0.00012; ESP Exome Variant Server 0.00017.
gnomAD v4.1: 197 of 1,613,754 alleles (0.012%); highest among the groups gnomAD compares: Admixed American, 0.012%; no homozygotes.

Submissions (7):

PreventionGenetics, part of Exact Sciences
Classification: Uncertain significance for GARS1-related condition. Last evaluated: 2026-03-13. Review status: criteria provided, single submitter. Criteria: ACMG Guidelines, 2015. Collection method: clinical testing. Allele origin: germline.
Comment: The GARS1 c.1904C>T variant is predicted to result in the amino acid substitution p.Ser635Leu. This variant, described as p.Ser581Leu in legacy nomenclature, has been reported in the heterozygous state in an individual with Charcot-Marie-Tooth disease type 2 (CMT2) who had a family history of the disorder in a parent, grandparent, and child (James et al. 2006. PubMed ID: 17101916) and in the compound heterozygous state with another GARS1 variant in an individual with systemic mitochondrial disease (McMillan et al. 2014. PubMed ID: 24669931). This variant has also been reported in the heterozygous state in an individual with cerebral palsy and in an unaffected parent (May et al. 2021. PubMed ID: 34114234); however, the individual also was reported to have birth asphyxia. The results of experimental studies are conflicting for this variant with some showing aminoacylation activity similar to wildtype (Griffin et al. 2014. PubMed ID: 25168514), while other studies suggest this variant leads to reduced respiratory chain complex subunits, impaired fatty acid oxidation, and altered mitochondrial calcium uptake (Nangle et al. 2007. PubMed ID: 17595294; He et al. 2011. PubMed ID: 21737751; Mo et al. 2018. PubMed ID: 29520015). Structural analysis suggests that this variant disrupts proper protein interactions (Datt and Sharma. 2014. PubMed ID: 25476837). This variant is reported in 0.40% of alleles in individuals of Ashkenazi Jewish descent in gnomAD and has conflicting classifications in ClinVar ranging from benign to uncertain (Variation ID: 209157). Although we suspect this variant may be benign due to the relatively high allele frequency in the general population, at this time, the clinical significance of this variant is uncertain due to the absence of conclusive functional and genetic evidence.

Labcorp Genetics (formerly Invitae), Labcorp
Classification: Benign for Charcot-Marie-Tooth disease type 2. Last evaluated: 2025-12-29. Review status: criteria provided, single submitter. Criteria: Invitae Variant Classification Sherloc (09022015). Collection method: clinical testing. Allele origin: germline.

Women's Health and Genetics/Laboratory Corporation of America, LabCorp
Classification: Likely benign. Last evaluated: 2025-10-22. Review status: criteria provided, single submitter. Criteria: LabCorp Variant Classification Summary - May 2015. Collection method: clinical testing. Allele origin: germline.
Comment: Variant summary: GARS1 c.1904C>T (p.Ser635Leu) results in a non-conservative amino acid change in the encoded protein sequence. Algorithms developed to predict the effect of missense changes on protein structure and function all suggest that this variant is likely to be disruptive. Consensus agreement among computation tools predict no significant impact on normal splicing. However, these predictions have yet to be confirmed by functional studies. The variant allele was found at a frequency of 0.00019 in 280562 control chromosomes, predominantly at a frequency of 0.004 within the Ashkenazi Jewish subpopulation in the gnomAD database. The observed variant frequency within Ashkenazi Jewish control individuals in the gnomAD database exceeds the estimated maximal expected allele frequency for disease-causing variants in GARS1. c.1904C>T (also known as p.Ser581Leu) has been observed in two unrelated probands with dominant axonal CMT disease, and authors found that the variant did not segregate with the disease (example: Griffin_2014). These report(s) do not provide unequivocal conclusions about association of the variant with Charcot-Marie-Tooth disease type 2D. At least one publication reports experimental evidence evaluating an impact on protein function. These results showed no damaging effect of this variant (example: Griffin_2014). The following publication has been ascertained in the context of this evaluation (PMID: 25168514). ClinVar contains an entry for this variant (Variation ID: 209157). Based on the evidence outlined above, the variant was classified as likely benign.

Ambry Genetics
Classification: Likely benign. Last evaluated: 2020-06-16. Review status: criteria provided, single submitter. Criteria: Ambry Variant Classification Scheme 2023. Collection method: clinical testing. Allele origin: germline.

Baylor Genetics
Classification: Uncertain significance for Charcot-Marie-Tooth disease type 2D. Review status: criteria provided, single submitter. Criteria: ACMG Guidelines, 2015. Collection method: clinical testing. Allele origin: unknown. Study: Adult_WES.

Inherited Neuropathy Consortium Ii, University Of Miami
Classification: Uncertain significance for Charcot-Marie-Tooth disease type 2D. Last evaluated: 2016-01-06. Review status: no assertion criteria provided. Collection method: literature only. Allele origin: germline. Affected: yes. Not counted in ClinVar's aggregate classification.

Inherited Neuropathy Consortium
Classification: Uncertain significance for Charcot-Marie-Tooth disease. Review status: no assertion criteria provided. Collection method: literature only. Allele origin: germline. Affected: yes. Not counted in ClinVar's aggregate classification.

Literature cited by the submitters: PubMed 25168514 (cited by Women's Health and Genetics/Laboratory Corporation of America, LabCorp); PubMed 26633545 (cited by Baylor Genetics); PubMed 24669931 (cited by Inherited Neuropathy Consortium Ii, University Of Miami); PubMed 17101916 (cited by Inherited Neuropathy Consortium).

NM_002047.4(GARS1):c.1904C>T (p.Ser635Leu)

Gene: GARS1 (glycyl-tRNA synthetase 1; plus strand). Cytogenetic location: 7p14.3.
Variant type: single nucleotide variant.
Coding change: c.1904C>T on transcript NM_002047.4 (MANE Select); coding-DNA position 1904, C replaced by T.
Protein change: p.Ser635Leu; replaces serine 635 with leucine.
Molecular consequence: missense variant.
Genome position (GRCh38, 1-based): chr7:30,632,247, C>T. VCF-style: chr7-30632247-C-T. GRCh37 (hg19) VCF-style: chr7-30671863-C-T.
Other names: c.1904C>T (LRG_243t1, NM_002047.3); c.1742C>T, p.Ser581Leu (NM_001316772.1); short protein forms S635L, S581L.
Identifiers: ClinVar variation 209157 (VCV000209157.17), dbSNP rs201358272, ClinGen allele CA276142.